The following is an entry in ClinVar:

NM_002207.3(ITGA9):c.1764G>A (p.Glu588=)

Gene: ITGA9 (integrin subunit alpha 9; plus strand). Cytogenetic location: 3p22.2.
Variant type: single nucleotide variant.
Coding change: c.1764G>A on transcript NM_002207.3 (MANE Select); coding-DNA position 1764, G replaced by A.
Protein change: p.Glu588=; no amino-acid change (glutamic acid 588 retained).
Molecular consequence: synonymous variant.
Genome position (GRCh38, 1-based): chr3:37,629,261, G>A. VCF-style: chr3-37629261-G-A. GRCh37 (hg19) VCF-style: chr3-37670752-G-A.
Identifiers: ClinVar variation 3040954 (VCV003040954.9), dbSNP rs114129792, ClinGen allele CA2310924.

ClinVar aggregate classification (germline): Likely benign. Review status: criteria provided, single submitter (1 of 4 stars). 2 submissions from 2 submitters: Likely benign (1). 1 of the submissions does not count toward it. Last evaluated 2025-03-01.

Conditions:
ITGA9-related disorder. Also called: ITGA9-related condition.

Allele frequency attached by ClinVar (database versions not stated): TOPMed 0.00178; gnomAD 0.00200; ExAC 0.00253; ESP Exome Variant Server 0.00308; gnomAD exomes 0.00330; 1000 Genomes Project 30x 0.00078; 1000 Genomes Project 0.00080.
gnomAD v4.1: 5,146 of 1,614,030 alleles (0.32%); highest among the groups gnomAD compares: Non-Finnish European, 0.39%; 13 homozygotes.

Submissions (2):

CeGaT Center for Human Genetics Tuebingen
Classification: Likely benign. Last evaluated: 2025-03-01. Review status: criteria provided, single submitter. Criteria: CeGaT Center For Human Genetics Tuebingen Variant Classification Criteria Version 2. Collection method: clinical testing. Allele origin: germline. Affected: yes. Observed: 1 variant allele.
Comment: ITGA9: BP4, BP7

PreventionGenetics, part of Exact Sciences
Classification: Likely benign for ITGA9-related condition. Last evaluated: 2019-12-02. Review status: no assertion criteria provided. Collection method: clinical testing. Allele origin: germline. Not counted in ClinVar's aggregate classification.
Comment: This variant is classified as likely benign based on ACMG/AMP sequence variant interpretation guidelines (Richards et al. 2015 PMID: 25741868, with internal and published modifications).